The following is an entry in ClinVar:

NM_173500.4(TTBK2):c.2157T>C (p.Gly719=)

Gene: TTBK2 (tau tubulin kinase 2; minus strand). Cytogenetic location: 15q15.2.
Variant type: single nucleotide variant.
Coding change: c.2157T>C on transcript NM_173500.4 (MANE Select); coding-DNA position 2157, T replaced by C.
Protein change: p.Gly719=; no amino-acid change (glycine 719 retained).
Molecular consequence: synonymous variant.
Genome position (GRCh38, 1-based): chr15:42,753,089, A>G on the plus strand (T>C on the coding strand, the complement: TTBK2 is on the minus strand). VCF-style: chr15-42753089-A-G. GRCh37 (hg19) VCF-style: chr15-43045287-A-G.
Identifiers: ClinVar variation 2049143 (VCV002049143.28), dbSNP rs367778872, ClinGen allele CA7516774.

ClinVar aggregate classification (germline): Likely benign. Review status: criteria provided, multiple submitters, no conflicts (2 of 4 stars). 2 submissions from 2 submitters: Likely benign (2). Last evaluated 2024-11-21.

Allele frequency attached by ClinVar (database versions not stated): ExAC 0.00006; gnomAD exomes 0.00013; gnomAD 0.00022; ESP Exome Variant Server 0.00025; TOPMed 0.00032.
gnomAD v4.1: 233 of 1,604,976 alleles (0.015%); highest among the groups gnomAD compares: Admixed American, 0.068%; no homozygotes.

Submissions (2):

Labcorp Genetics (formerly Invitae), Labcorp
Classification: Likely benign. Last evaluated: 2024-11-21. Review status: criteria provided, single submitter. Criteria: Invitae Variant Classification Sherloc (09022015). Collection method: clinical testing. Allele origin: germline.

CeGaT Center for Human Genetics Tuebingen
Classification: Likely benign. Last evaluated: 2023-02-01. Review status: criteria provided, single submitter. Criteria: CeGaT Center For Human Genetics Tuebingen Variant Classification Criteria Version 2. Collection method: clinical testing. Allele origin: germline. Affected: yes. Observed: 1 variant allele.
Comment: TTBK2: BP4, BP7